The following is an entry in ClinVar:

NM_000465.4(BARD1):c.1903T>A (p.Trp635Arg)

Gene: BARD1 (BRCA1 associated RING domain 1; minus strand). Cytogenetic location: 2q35.
Variant type: single nucleotide variant.
Coding change: c.1903T>A on transcript NM_000465.4 (MANE Select); coding-DNA position 1903, T replaced by A.
Protein change: p.Trp635Arg; replaces tryptophan 635 with arginine.
Molecular consequence: missense variant. On other transcripts: non-coding transcript variant (3), intron variant (1).
Genome position (GRCh38, 1-based): chr2:214,745,067, A>T on the plus strand (T>A on the coding strand, the complement: BARD1 is on the minus strand). VCF-style: chr2-214745067-A-T. GRCh37 (hg19) VCF-style: chr2-215609791-A-T.
Other names: c.1903T>A (NM_000465.2); c.1846T>A, p.Trp616Arg (NM_001282543.2); c.550T>A, p.Trp184Arg (NM_001282545.2); c.493T>A, p.Trp165Arg (NM_001282548.2); c.365-14559T>A (NM_001282549.2); short protein forms W165R, W184R, W616R, W635R.
Identifiers: ClinVar variation 1057449 (VCV001057449.11), dbSNP rs1693033615, ClinGen allele CA350452045.
Genomic context (GRCh38, chr2:214,745,067, plus strand): 5'-AACCATGAAAAACAAAACTAGTCTAATTCATTTCTTAATTCTCTCAAATCCAACACTTAC[A>T]TTCAAATTTTAGAATCCAGCATCCATTGAGAATCCCAAGCATACACTTCAAGGTACTTTG-3'
Protein context (NP_000456.2, residues 625-645): LNGCWILKFE[Trp635Arg]VKACLRRKVC

ClinVar aggregate classification (germline): Uncertain significance. Review status: criteria provided, multiple submitters, no conflicts (2 of 4 stars). 2 submissions from 2 submitters: Uncertain significance (2). Last evaluated 2025-03-22.

Conditions:
Familial cancer of breast. Also called: BREAST CANCER, FAMILIAL; Hereditary breast cancer; hereditary breast carcinoma. Identifiers: Orphanet 227535, MedGen C0346153, MONDO:0016419, OMIM 114480. Disease mechanism: loss of function.
Hereditary cancer-predisposing syndrome. Also called: Hereditary Cancer Syndrome; Tumor predisposition; Hereditary neoplastic syndrome; Neoplastic Syndromes, Hereditary. Identifiers: Orphanet 140162, MedGen C0027672, MeSH D009386, MONDO:0015356.

Submissions (2):

Ambry Genetics
Classification: Uncertain significance for Hereditary cancer-predisposing syndrome. Last evaluated: 2025-03-22. Review status: criteria provided, single submitter. Criteria: Ambry Variant Classification Scheme 2023. Collection method: clinical testing. Allele origin: germline.
Comment: The p.W635R variant (also known as c.1903T>A), located in coding exon 9 of the BARD1 gene, results from a T to A substitution at nucleotide position 1903. The tryptophan at codon 635 is replaced by arginine, an amino acid with dissimilar properties. This amino acid position is highly conserved in available vertebrate species. In addition, this alteration is predicted to be deleterious by in silico analysis. Based on the available evidence, the clinical significance of this variant remains unclear.

Labcorp Genetics (formerly Invitae), Labcorp
Classification: Uncertain significance for Familial cancer of breast. Last evaluated: 2024-10-16. Review status: criteria provided, single submitter. Criteria: Invitae Variant Classification Sherloc (09022015). Collection method: clinical testing. Allele origin: germline.
Comment: This sequence change replaces tryptophan, which is neutral and slightly polar, with arginine, which is basic and polar, at codon 635 of the BARD1 protein (p.Trp635Arg). This variant is not present in population databases (gnomAD no frequency). This variant has not been reported in the literature in individuals affected with BARD1-related conditions. ClinVar contains an entry for this variant (Variation ID: 1057449). An algorithm developed to predict the effect of missense changes on protein structure and function (PolyPhen-2) suggests that this variant is likely to be disruptive. In summary, the available evidence is currently insufficient to determine the role of this variant in disease. Therefore, it has been classified as a Variant of Uncertain Significance.